The following is an entry in ClinVar:

NM_002470.4(MYH3):c.5677C>T (p.His1893Tyr)

Gene: MYH3 (myosin heavy chain 3; minus strand). Cytogenetic location: 17p13.1.
Variant type: single nucleotide variant.
Coding change: c.5677C>T on transcript NM_002470.4 (MANE Select); coding-DNA position 5677, C replaced by T.
Protein change: p.His1893Tyr; replaces histidine 1893 with tyrosine.
Molecular consequence: missense variant.
Genome position (GRCh38, 1-based): chr17:10,629,716, G>A on the plus strand (C>T on the coding strand, the complement: MYH3 is on the minus strand). VCF-style: chr17-10629716-G-A. GRCh37 (hg19) VCF-style: chr17-10533033-G-A.
Other names: c.5677C>T (NM_002470.3); short protein forms H1893Y.
Identifiers: ClinVar variation 2072412 (VCV002072412.5), dbSNP rs145624953, ClinGen allele CA8391828.
Genomic context (GRCh38, chr17:10,629,716, plus strand): 5'-TATCCGCACGTTCCTCGGCCTCCTCCAGCTCATGCTGAGCCTTTCGGAATTTGGTGAGAT[G>A]AGCATTGGCTTGTTCATCCTAAAACCAAAGAGCCCAGGCAGGTTATATCAGCACGCGCCT-3'
Protein context (NP_002461.2, residues 1883-1903): AEEADEQANA[His1893Tyr]LTKFRKAQHE

ClinVar aggregate classification (germline): Uncertain significance. Review status: criteria provided, multiple submitters, no conflicts (2 of 4 stars). 2 submissions from 2 submitters: Uncertain significance (2). Last evaluated 2025-12-31.

Conditions:
MYH3-related disorder. Also called: MYH3-Related Disorders; MYH3-related condition. Identifiers: MedGen CN239329.

Allele frequency attached by ClinVar (database versions not stated): gnomAD 0.00003; TOPMed 0.00003; ExAC 0.00004; ESP Exome Variant Server 0.00015; 1000 Genomes Project 30x 0.00031; 1000 Genomes Project 0.00040; gnomAD exomes 0.00001.
gnomAD v4.1: 15 of 1,614,224 alleles (0.00093%); highest among the groups gnomAD compares: African/African-American, 0.008%; no homozygotes.

Submissions (2):

Labcorp Genetics (formerly Invitae), Labcorp
Classification: Uncertain significance. Last evaluated: 2025-12-31. Review status: criteria provided, single submitter. Criteria: Invitae Variant Classification Sherloc (09022015). Collection method: clinical testing. Allele origin: germline.
Comment: This sequence change replaces histidine, which is basic and polar, with tyrosine, which is neutral and polar, at codon 1893 of the MYH3 protein (p.His1893Tyr). This variant is present in population databases (rs145624953, gnomAD 0.02%). This variant has not been reported in the literature in individuals affected with MYH3-related conditions. ClinVar contains an entry for this variant (Variation ID: 2072412). Invitae Evidence Modeling of protein sequence and biophysical properties (such as structural, functional, and spatial information, amino acid conservation, physicochemical variation, residue mobility, and thermodynamic stability) indicates that this missense variant is not expected to disrupt MYH3 protein function with a negative predictive value of 95%. In summary, the available evidence is currently insufficient to determine the role of this variant in disease. Therefore, it has been classified as a Variant of Uncertain Significance.

PreventionGenetics, part of Exact Sciences
Classification: Uncertain significance for MYH3-related condition. Last evaluated: 2023-04-26. Review status: criteria provided, single submitter. Criteria: ACMG Guidelines, 2015. Collection method: clinical testing. Allele origin: germline.
Comment: The MYH3 c.5677C>T variant is predicted to result in the amino acid substitution p.His1893Tyr. To our knowledge, this variant has not been reported in the literature. This variant is reported in 0.018% of alleles in individuals of African descent in gnomAD. At this time, the clinical significance of this variant is uncertain due to the absence of conclusive functional and genetic evidence.